The following is an entry in ClinVar:

NC_000007.13:g.(?_100853354)_(100860555_?)dup

Gene: PLOD3 (procollagen-lysine,2-oxoglutarate 5-dioxygenase 3; minus strand). Cytogenetic location: 7q22.1.
Variant type: Duplication.
Identifiers: ClinVar variation 2423678 (VCV002423678.3).

ClinVar aggregate classification (germline): Uncertain significance (1 of 4 stars; one submission).

Submission:

Labcorp Genetics (formerly Invitae), Labcorp
Classification: Uncertain significance. Last evaluated: 2022-01-28. Review status: criteria provided, single submitter. Criteria: Invitae Variant Classification Sherloc (09022015). Collection method: clinical testing. Allele origin: germline.
Comment: In summary, the available evidence is currently insufficient to determine the role of this variant in disease. Therefore, it has been classified as a Variant of Uncertain Significance. Experimental studies and prediction algorithms are not available or were not evaluated, and the functional significance of this variant is currently unknown. This variant has not been reported in the literature in individuals affected with PLOD3-related conditions. This variant results in a copy number gain of the genomic region encompassing exon(s) 1-15 of the PLOD3 gene. This region includes the initiator codon of the gene. This copy number gain extends beyond the assayed region for this gene and therefore may encompass additional genes. As the precise location of this event is unknown, it may be in tandem or it may be located elsewhere in the genome.